The following is an entry in ClinVar:

ClinVar aggregate classification (germline): Uncertain significance. Review status: criteria provided, multiple submitters, no conflicts (2 of 4 stars). 2 submissions from 2 submitters: Uncertain significance (2). Last evaluated 2022-06-24.

Conditions:
Inborn genetic diseases. Identifiers: MedGen C0950123, MeSH D030342.

Submissions (2):

Labcorp Genetics (formerly Invitae), Labcorp
Classification: Uncertain significance. Last evaluated: 2022-06-24. Review status: criteria provided, single submitter. Criteria: Invitae Variant Classification Sherloc (09022015). Collection method: clinical testing. Allele origin: germline.
Comment: Algorithms developed to predict the effect of missense changes on protein structure and function are either unavailable or do not agree on the potential impact of this missense change (SIFT: "Deleterious"; PolyPhen-2: "Possibly Damaging"; Align-GVGD: "Class C0"). In summary, the available evidence is currently insufficient to determine the role of this variant in disease. Therefore, it has been classified as a Variant of Uncertain Significance. This variant has not been reported in the literature in individuals affected with CAPN5-related conditions. This variant is not present in population databases (gnomAD no frequency). This sequence change replaces aspartic acid, which is acidic and polar, with glycine, which is neutral and non-polar, at codon 207 of the CAPN5 protein (p.Asp207Gly).

Ambry Genetics
Classification: Uncertain significance for Inborn genetic diseases. Last evaluated: 2022-05-11. Review status: criteria provided, single submitter. Criteria: Ambry Variant Classification Scheme 2023. Collection method: clinical testing. Allele origin: germline.

NM_004055.5(CAPN5):c.620A>G (p.Asp207Gly)

Gene: CAPN5 (calpain 5; plus strand). Cytogenetic location: 11q13.5.
Variant type: single nucleotide variant.
Coding change: c.620A>G on transcript NM_004055.5 (MANE Select); coding-DNA position 620, A replaced by G.
Protein change: p.Asp207Gly; replaces aspartic acid 207 with glycine.
Molecular consequence: missense variant.
Genome position (GRCh38, 1-based): chr11:77,114,355, A>G. VCF-style: chr11-77114355-A-G. GRCh37 (hg19) VCF-style: chr11-76825401-A-G.
Other names: short protein forms D207G.
Identifiers: ClinVar variation 2071852 (VCV002071852.5), dbSNP rs2496284209, ClinGen allele CA381938051.
Genomic context (GRCh38, chr11:77,114,355, plus strand): 5'-TGGACTTCACGGGTGGTGTTTCTGAGCCCATCGACCTGACCGAGGGTGACTTTGCCAACG[A>G]TGAGACTAAGAGGAACCAGCTCTTTGAGCGCATGTTAAAGGTGCACAGCCGGGGCGGCCT-3'
Protein context (NP_004046.2, residues 197-217): IDLTEGDFAN[Asp207Gly]ETKRNQLFER